The following is an entry in ClinVar:

ClinVar aggregate classification (germline): Uncertain significance (1 of 4 stars; one submission).

Conditions:
Gnathodiaphyseal dysplasia (GDD). Also called: GNATHODIAPHYSEAL SCLEROSIS; OSTEOGENESIS IMPERFECTA WITH UNUSUAL SKELETAL LESIONS. Identifiers: Orphanet 53697, MedGen C1833736, MONDO:0008151, OMIM 166260.
Autosomal recessive limb-girdle muscular dystrophy type 2L (LGMDR12). Also called: Limb-Girdle Muscular Dystrophy R12 Anoctamin-5-Related (LGMD-R12); MUSCULAR DYSTROPHY, LIMB-GIRDLE, AUTOSOMAL RECESSIVE 12; Limb-girdle muscular dystrophy, type 2L. Identifiers: Orphanet 206549, MedGen C1969785, MONDO:0012652, OMIM 611307.

Allele frequency attached by ClinVar (database versions not stated): TOPMed below 0.00001.
gnomAD v4.1: 1 of 1,557,212 alleles (0.000064%); highest among the groups gnomAD compares: East Asian, 0.0023%; no homozygotes.

Submission:

Labcorp Genetics (formerly Invitae), Labcorp
Classification: Uncertain significance for Autosomal recessive limb-girdle muscular dystrophy type 2L; Gnathodiaphyseal dysplasia. Last evaluated: 2022-07-09. Review status: criteria provided, single submitter. Criteria: Invitae Variant Classification Sherloc (09022015). Collection method: clinical testing. Allele origin: germline.
Comment: In summary, the available evidence is currently insufficient to determine the role of this variant in disease. Therefore, it has been classified as a Variant of Uncertain Significance. Algorithms developed to predict the effect of sequence changes on RNA splicing suggest that this variant may disrupt the consensus splice site. This variant has not been reported in the literature in individuals affected with ANO5-related conditions. This variant is not present in population databases (gnomAD no frequency). This sequence change falls in intron 19 of the ANO5 gene. It does not directly change the encoded amino acid sequence of the ANO5 protein.

NM_213599.3(ANO5):c.2236-8T>G

Gene: ANO5 (anoctamin 5; plus strand). Cytogenetic location: 11p14.3.
Variant type: single nucleotide variant.
Coding change: c.2236-8T>G on transcript NM_213599.3 (MANE Select); 8 bases into the intron before coding-DNA position 2236, T replaced by G.
Molecular consequence: intron variant.
Genome position (GRCh38, 1-based): chr11:22,274,561, T>G. VCF-style: chr11-22274561-T-G. GRCh37 (hg19) VCF-style: chr11-22296107-T-G.
Other names: c.2233-8T>G (NM_001142649.2).
Identifiers: ClinVar variation 1962867 (VCV001962867.5), dbSNP rs1185668848, ClinGen allele CA674656565.